The following is an entry in ClinVar:

ClinVar aggregate classification (germline): Uncertain significance (1 of 4 stars; one submission).

Conditions:
Familial adenomatous polyposis 2. Also called: MYH-associated polyposis; Adenomas, multiple colorectal; COLORECTAL ADENOMATOUS POLYPOSIS, AUTOSOMAL RECESSIVE; ADENOMAS, MULTIPLE COLORECTAL, AUTOSOMAL RECESSIVE; FAP type 2; MUTYH Polyposis. Identifiers: Orphanet 220460, Orphanet 247798, MedGen C3272841, MONDO:0012041, OMIM 608456.

Submission:

Labcorp Genetics (formerly Invitae), Labcorp
Classification: Uncertain significance for Familial adenomatous polyposis 2. Last evaluated: 2021-06-13. Review status: criteria provided, single submitter. Criteria: Invitae Variant Classification Sherloc (09022015). Collection method: clinical testing. Allele origin: germline.
Comment: Algorithms developed to predict the effect of missense changes on protein structure and function are either unavailable or do not agree on the potential impact of this missense change (SIFT: "Deleterious"; PolyPhen-2: "Probably Damaging"; Align-GVGD: "Class C0"). This sequence change replaces leucine with isoleucine at codon 111 of the MUTYH protein (p.Leu111Ile). The leucine residue is highly conserved and there is a small physicochemical difference between leucine and isoleucine. This variant is not present in population databases (ExAC no frequency). This variant has not been reported in the literature in individuals with MUTYH-related conditions. This variant disrupts the p.Leu111 amino acid residue in MUTYH. Other variant(s) that disrupt this residue have been determined to be pathogenic (PMID: 29406563, Invitae). This suggests that this residue is clinically significant, and that variants that disrupt this residue are likely to be disease-causing. In summary, the available evidence is currently insufficient to determine the role of this variant in disease. Therefore, it has been classified as a Variant of Uncertain Significance.

Literature cited by the submitters: PubMed 29406563.

NM_001048174.2(MUTYH):c.247C>A (p.Leu83Ile)

Gene: MUTYH (mutY DNA glycosylase; minus strand). Cytogenetic location: 1p34.1.
Variant type: single nucleotide variant.
Coding change: c.247C>A on transcript NM_001048174.2 (MANE Select); coding-DNA position 247, C replaced by A.
Protein change: p.Leu83Ile; replaces leucine 83 with isoleucine.
Molecular consequence: missense variant. On other transcripts: 5 prime UTR variant (4), non-coding transcript variant (2).
Genome position (GRCh38, 1-based): chr1:45,333,430, G>T on the plus strand (C>A on the coding strand, the complement: MUTYH is on the minus strand). VCF-style: chr1-45333430-G-T. GRCh37 (hg19) VCF-style: chr1-45799102-G-T.
Other names: c.247C>A, p.Leu83Ile (NM_001048171.2, NM_001048173.2, NM_001293195.2); c.250C>A, p.Leu84Ile (NM_001048172.2); c.331C>A, p.Leu111Ile (NM_001128425.2); c.292C>A, p.Leu98Ile (NM_001293190.2); c.280C>A, p.Leu94Ile (NM_001293191.2); c.-30C>A (NM_001293192.2, NM_001293196.2); c.-25C>A (NM_001350650.2, NM_001350651.2); c.322C>A, p.Leu108Ile (NM_012222.3); short protein forms L111I, L94I, L83I, L84I, L98I, L108I.
Identifiers: ClinVar variation 1483050 (VCV001483050.8), dbSNP rs2149172338, ClinGen allele CA340136364.
Genomic context (GRCh38, chr1:45,333,430, plus strand): 5'-GTGCCTGCCTCCCACCCACTGTCCCTGCTCCTCGCCTGCCTACCCGTCTTCTCCATGGTA[G>T]GTCCCGTTTCTCTTGGTCGTACCAGCTTAGCAGGCTCCCTCGGAAGGCTGTGACTTCAGC-3'
Protein context (NP_001041639.1, residues 73-93): LSWYDQEKRD[Leu83Ile]PWRRRAEDEM